The following is an entry in ClinVar:

NM_000071.3(CBS):c.846dup (p.Glu283fs)

Gene: CBS (cystathionine beta-synthase; minus strand). Cytogenetic location: 21q22.3.
Variant type: Duplication.
Coding change: c.846dup on transcript NM_000071.3 (MANE Select); coding-DNA position 846, one base duplicated (C; older notation c.846dupC).
Protein change: p.Glu283fs; shifts the reading frame from glutamic acid 283.
Molecular consequence: frameshift variant.
Genome position (GRCh38, 1-based): chr21:43,063,061, G duplicated on the plus strand (C on the coding strand, the reverse complement: CBS is on the minus strand); the first of 3 consecutive G bases (chr21:43,063,061-43,063,063); duplicating any one gives the same sequence. VCF-style (leftmost placement, unchanged base first): chr21-43063060-C-CG. GRCh37 (hg19) VCF-style: chr21-44483170-C-CG.
Other names: c.846dup, p.Glu283fs (NM_001178008.3, NM_001178009.3, NM_001320298.2); c.531dup, p.Glu178fs (NM_001321072.1); c.846dup (NM_000071.2); short protein forms E178fs, E283fs.
Identifiers: ClinVar variation 4816736 (VCV004816736.2).

ClinVar aggregate classification (germline): Pathogenic/Likely pathogenic. Review status: criteria provided, multiple submitters, no conflicts (2 of 4 stars). 2 submissions from 2 submitters: Pathogenic (1); Likely pathogenic (1). Last evaluated 2024-12-30.

Conditions:
Classic homocystinuria. Also called: HOMOCYSTINURIA WITH OR WITHOUT RESPONSE TO PYRIDOXINE; Homocystinuria due to Cystathionine Beta-Synthase Deficiency; Homocystinuria due to CBS deficiency; Cystathionine beta-synthase deficiency; CBS deficiency. Identifiers: Orphanet 394, MedGen C0751202, MONDO:0009352, OMIM 236200.

Submissions (2):

Myriad Genetics, Inc.
Classification: Pathogenic for Classic homocystinuria. Last evaluated: 2024-12-30. Review status: criteria provided, single submitter. Criteria: Myriad Autosomal Dominant, Autosomal Recessive and X-Linked Classification Criteria (2023). Collection method: clinical testing. Allele origin: unknown.
Comment: NM_000071.2(CBS):c.846dupC(E283Rfs*47) is expected to be pathogenic in the context of homocystinuria, CBS-related. This variant is predicted to lead to an abnormal or absent protein product due to the creation of a premature termination codon in CBS, a gene where loss-of-function variants are known to be pathogenic. Please note: this variant was assessed in the context of healthy population screening.

Natera, Inc.
Classification: Likely pathogenic for Homocystinuria due to cystathionine beta-synthase deficiency. Last evaluated: 2024-10-27. Review status: criteria provided, single submitter. Criteria: Natera Variant Classification Schema (03/2026). Collection method: clinical testing. Allele origin: germline.
Comment: The c.846dup variant in CBS is a frameshift variant predicted to shift the reading frame beginning at codon 283 and leads to a stop codon 47 codons downstream. This variant is expected to result in nonsense mediated decay, truncation, or a dysfunctional protein product. This variant is rare in the general population with a frequency below the threshold expected for the associated phenotype(s). Given the available evidence, this variant is classified as Likely Pathogenic.